The following is an entry in ClinVar:

NM_006796.3(AFG3L2):c.1765G>C (p.Asp589His)

Gene: AFG3L2 (AFG3 like matrix AAA peptidase subunit 2; minus strand). Cytogenetic location: 18p11.21.
Variant type: single nucleotide variant.
Coding change: c.1765G>C on transcript NM_006796.3 (MANE Select); coding-DNA position 1765, G replaced by C.
Protein change: p.Asp589His; replaces aspartic acid 589 with histidine.
Molecular consequence: missense variant.
Genome position (GRCh38, 1-based): chr18:12,344,146, C>G on the plus strand (G>C on the coding strand, the complement: AFG3L2 is on the minus strand). VCF-style: chr18-12344146-C-G. GRCh37 (hg19) VCF-style: chr18-12344145-C-G.
Other names: short protein forms D589H.
Identifiers: ClinVar variation 985683 (VCV000985683.6), dbSNP rs139192793, ClinGen allele CA8896412.

ClinVar aggregate classification (germline): Uncertain significance. Review status: criteria provided, multiple submitters, no conflicts (2 of 4 stars). 2 submissions from 2 submitters: Uncertain significance (2). Last evaluated 2023-12-19.

Conditions:
Inborn genetic diseases. Identifiers: MedGen C0950123, MeSH D030342.

Allele frequency attached by ClinVar (database versions not stated): gnomAD exomes below 0.00001 and 0.00001; ExAC 0.00001; gnomAD 0.00001; TOPMed 0.00001; ESP Exome Variant Server 0.00008.
gnomAD v4.1: 4 of 1,613,356 alleles (0.00025%); highest among the groups gnomAD compares: Non-Finnish European, 0.00034%; no homozygotes.

Submissions (2):

Labcorp Genetics (formerly Invitae), Labcorp
Classification: Uncertain significance. Last evaluated: 2023-12-19. Review status: criteria provided, single submitter. Criteria: Invitae Variant Classification Sherloc (09022015). Collection method: clinical testing. Allele origin: germline.
Comment: This sequence change replaces aspartic acid, which is acidic and polar, with histidine, which is basic and polar, at codon 589 of the AFG3L2 protein (p.Asp589His). This variant is present in population databases (rs139192793, gnomAD 0.002%). This variant has not been reported in the literature in individuals affected with AFG3L2-related conditions. ClinVar contains an entry for this variant (Variation ID: 985683). Advanced modeling of protein sequence and biophysical properties (such as structural, functional, and spatial information, amino acid conservation, physicochemical variation, residue mobility, and thermodynamic stability) performed at Invitae indicates that this missense variant is expected to disrupt AFG3L2 protein function with a positive predictive value of 95%. In summary, the available evidence is currently insufficient to determine the role of this variant in disease. Therefore, it has been classified as a Variant of Uncertain Significance.

Ambry Genetics
Classification: Uncertain significance for Inborn genetic diseases. Last evaluated: 2018-03-23. Review status: criteria provided, single submitter. Criteria: Ambry exome assertion method (8-5-2015). Collection method: clinical testing. Allele origin: germline. Affected: yes. Observed: 1 variant allele.